The following is an entry in ClinVar:

NM_004380.3(CREBBP):c.4726G>A (p.Glu1576Lys)

Gene: CREBBP (CREB binding lysine acetyltransferase; minus strand). Cytogenetic location: 16p13.3.
Variant type: single nucleotide variant.
Coding change: c.4726G>A on transcript NM_004380.3 (MANE Select); coding-DNA position 4726, G replaced by A.
Protein change: p.Glu1576Lys; replaces glutamic acid 1576 with lysine.
Molecular consequence: missense variant.
Genome position (GRCh38, 1-based): chr16:3,736,038, C>T on the plus strand (G>A on the coding strand, the complement: CREBBP is on the minus strand). VCF-style: chr16-3736038-C-T. GRCh37 (hg19) VCF-style: chr16-3786039-C-T.
Other names: c.4612G>A, p.Glu1538Lys (NM_001079846.1); short protein forms E1538K, E1576K.
Identifiers: ClinVar variation 2002036 (VCV002002036.4), dbSNP rs2548361865, ClinGen allele CA394561875.
Genomic context (GRCh38, chr16:3,736,038, plus strand): 5'-GCCACCCTGCAGCTCCAGCGGGACACGTGGGCAATGGAGCTCAGAGAAGGGTCTGTACCT[C>T]AGTGGTTTCACTGGCTGCAGTGCTCTCTTCCTTTTTCCTCTCCTCTTCTTCTTGTTCTAG-3'
Protein context (NP_004371.2, residues 1566-1586): EESTAASETT[Glu1576Lys]GSQGDSKNAK

ClinVar aggregate classification (germline): Uncertain significance (1 of 4 stars; one submission).

Conditions:
Rubinstein-Taybi syndrome (RSTS). Identifiers: Orphanet 783, MedGen C0035934, MONDO:0019188.

Submission:

Labcorp Genetics (formerly Invitae), Labcorp
Classification: Uncertain significance for Rubinstein-Taybi syndrome. Last evaluated: 2022-06-22. Review status: criteria provided, single submitter. Criteria: Invitae Variant Classification Sherloc (09022015). Collection method: clinical testing. Allele origin: germline.
Comment: In summary, the available evidence is currently insufficient to determine the role of this variant in disease. Therefore, it has been classified as a Variant of Uncertain Significance. Algorithms developed to predict the effect of missense changes on protein structure and function are either unavailable or do not agree on the potential impact of this missense change (SIFT: "Deleterious"; PolyPhen-2: "Not Available"; Align-GVGD: "Class C55"). This variant has not been reported in the literature in individuals affected with CREBBP-related conditions. This variant is not present in population databases (gnomAD no frequency). This sequence change replaces glutamic acid, which is acidic and polar, with lysine, which is basic and polar, at codon 1576 of the CREBBP protein (p.Glu1576Lys).